The following is an entry in ClinVar:

ClinVar aggregate classification (germline): Uncertain significance (1 of 4 stars; one submission).

Conditions:
Neuronal ceroid lipofuscinosis. Also called: Neuronal Ceroid Lipofuscinoses. Identifiers: Orphanet 216, Orphanet 79263, MedGen C0027877, MONDO:0016295. Disease mechanism: loss of function.

Allele frequency attached by ClinVar (database versions not stated): gnomAD exomes below 0.00001.

Submission:

Labcorp Genetics (formerly Invitae), Labcorp
Classification: Uncertain significance for Neuronal ceroid lipofuscinosis. Last evaluated: 2018-08-17. Review status: criteria provided, single submitter. Criteria: Invitae Variant Classification Sherloc (09022015). Collection method: clinical testing. Allele origin: germline.
Comment: In summary, the available evidence is currently insufficient to determine the role of this variant in disease. Therefore, it has been classified as a Variant of Uncertain Significance. Algorithms developed to predict the effect of missense changes on protein structure and function are either unavailable or do not agree on the potential impact of this missense change (SIFT: "Tolerated"; PolyPhen-2: "Probably Damaging"; Align-GVGD: "Class C0"). This variant is not present in population databases (ExAC no frequency). This sequence change replaces serine with leucine at codon 81 of the DNAJC5 protein (p.Ser81Leu). The serine residue is moderately conserved and there is a large physicochemical difference between serine and leucine.

NM_025219.3(DNAJC5):c.242C>T (p.Ser81Leu)

Gene: DNAJC5 (DnaJ heat shock protein family (Hsp40) member C5; plus strand). Cytogenetic location: 20q13.33.
Variant type: single nucleotide variant.
Coding change: c.242C>T on transcript NM_025219.3 (MANE Select); coding-DNA position 242, C replaced by T.
Protein change: p.Ser81Leu; replaces serine 81 with leucine.
Molecular consequence: missense variant.
Genome position (GRCh38, 1-based): chr20:63,929,446, C>T. VCF-style: chr20-63929446-C-T. GRCh37 (hg19) VCF-style: chr20-62560799-C-T.
Other names: short protein forms S81L.
Identifiers: ClinVar variation 574018 (VCV000574018.8), dbSNP rs933246467, ClinGen allele CA317520033.